The following is an entry in ClinVar:

ClinVar aggregate classification (germline): Uncertain significance. Review status: criteria provided, multiple submitters, no conflicts (2 of 4 stars). 5 submissions from 5 submitters: Uncertain significance (5). Last evaluated 2023-12-21.

Conditions:
Arrhythmogenic cardiomyopathy with wooly hair and keratoderma. Also called: Carvajal syndrome; Dilated cardiomyopathy with woolly hair and keratoderma; Arrhythmogenic cardiomyopathy with woolly hair and keratoderma; PALMOPLANTAR KERATODERMA WITH LEFT VENTRICULAR CARDIOMYOPATHY AND WOOLLY HAIR. Identifiers: Orphanet 65282, MedGen C1854063, MONDO:0011581, OMIM 605676.
Arrhythmogenic right ventricular dysplasia 8 (ARVD8). Also called: ARRHYTHMOGENIC RIGHT VENTRICULAR DYSPLASIA, FAMILIAL, 8; ARRHYTHMOGENIC RIGHT VENTRICULAR CARDIOMYOPATHY 8; Arrhythmogenic Right Ventricular Dysplasia/Cardiomyopathy 8. Identifiers: MedGen C1843896, MONDO:0011831, OMIM 607450.
Cardiomyopathy (CMYO). Also called: Cardiomyopathies. Identifiers: Orphanet 167848, MedGen C0878544, MONDO:0004994, HP:0001638. Inheritance: Various modes of inheritance.

Allele frequency attached by ClinVar (database versions not stated): TOPMed below 0.00001.

Submissions (5):

Labcorp Genetics (formerly Invitae), Labcorp
Classification: Uncertain significance for Arrhythmogenic cardiomyopathy with wooly hair and keratoderma; Arrhythmogenic right ventricular dysplasia 8. Last evaluated: 2023-12-21. Review status: criteria provided, single submitter. Criteria: Invitae Variant Classification Sherloc (09022015). Collection method: clinical testing. Allele origin: germline.
Comment: This sequence change replaces tyrosine, which is neutral and polar, with cysteine, which is neutral and slightly polar, at codon 1981 of the DSP protein (p.Tyr1981Cys). This variant is not present in population databases (gnomAD no frequency). This missense change has been observed in individual(s) with clinical features of arrhythmogenic right ventricular cardiomyopathy and/or hypertrophic cardiomyopathy (PMID: 30731207). ClinVar contains an entry for this variant (Variation ID: 426436). An algorithm developed to predict the effect of missense changes on protein structure and function (PolyPhen-2) suggests that this variant is likely to be disruptive. In summary, the available evidence is currently insufficient to determine the role of this variant in disease. Therefore, it has been classified as a Variant of Uncertain Significance.

All of Us Research Program, National Institutes of Health
Classification: Uncertain significance for Arrhythmogenic cardiomyopathy with wooly hair and keratoderma. Last evaluated: 2023-11-20. Review status: criteria provided, single submitter. Criteria: ACMG Guidelines, 2015. Collection method: clinical testing. Allele origin: germline. Inheritance: Autosomal dominant inheritance. Observed: 1 variant allele, 1 heterozygote.
Comment: This missense variant replaces tyrosine with cysteine at codon 1981 of the DSP protein. Computational prediction suggests that this variant may not impact protein structure and function (internally defined REVEL score threshold <= 0.5, PMID: 27666373). To our knowledge, functional studies have not been reported for this variant. This variant has not been reported in individuals affected with cardiovascular disorders in the literature. This variant has not been identified in the general population by the Genome Aggregation Database (gnomAD). The available evidence is insufficient to determine the role of this variant in disease conclusively. Therefore, this variant is classified as a Variant of Uncertain Significance.

This study involves interpretation of variants in research participants for the purpose of population health screening. Participant phenotype was not available at the time of variant classification. Additional details can be found in publication PMID: 35346344, PMCID: PMC8962531

Color Diagnostics, LLC DBA Color Health
Classification: Uncertain significance for Cardiomyopathy. Last evaluated: 2023-11-01. Review status: criteria provided, single submitter. Criteria: ACMG Guidelines, 2015. Collection method: clinical testing. Allele origin: germline.
Comment: This missense variant replaces tyrosine with cysteine at codon 1981 of the DSP protein. Computational prediction suggests that this variant may not impact protein structure and function (internally defined REVEL score threshold <= 0.5, PMID: 27666373). To our knowledge, functional studies have not been reported for this variant. This variant has not been reported in individuals affected with cardiovascular disorders in the literature. This variant has not been identified in the general population by the Genome Aggregation Database (gnomAD). The available evidence is insufficient to determine the role of this variant in disease conclusively. Therefore, this variant is classified as a Variant of Uncertain Significance.

GeneDx
Classification: Uncertain significance. Last evaluated: 2017-04-17. Review status: criteria provided, single submitter. Criteria: GeneDx Variant Classification (06012015). Collection method: clinical testing. Allele origin: germline. Affected: yes.
Comment: The Y1981C variant in the DSP gene has not been reported previously as a pathogenic variant, nor as a benign variant, to our knowledge. The Y1981C variant is not observed in large population cohorts (Lek et al., 2016; 1000 Genomes Consortium et al., 2015; Exome Variant Server). The Y1981C variant is a non-conservative amino acid substitution, which is likely to impact secondary protein structure as these residues differ in polarity, charge, size and/or other properties. This substitution occurs at a position that is conserved in mammals, and in silico analysis predicts this variant is probably damaging to the protein structure/function. We interpret Y1981C as a variant of uncertain significance.

CHEO Genetics Diagnostic Laboratory, Children's Hospital of Eastern Ontario
Classification: Uncertain significance for Cardiomyopathy. Last evaluated: 2017-04-11. Review status: criteria provided, single submitter. Criteria: ACMG Guidelines, 2015. Collection method: clinical testing. Allele origin: germline. Study: Canadian Open Genetics Repository.

Literature cited by the submitters: PubMed 30731207 (cited by Labcorp Genetics (formerly Invitae), Labcorp).

NM_004415.4(DSP):c.5942A>G (p.Tyr1981Cys)

Gene: DSP (desmoplakin; plus strand). Cytogenetic location: 6p24.3.
Variant type: single nucleotide variant.
Coding change: c.5942A>G on transcript NM_004415.4 (MANE Select); coding-DNA position 5942, A replaced by G.
Protein change: p.Tyr1981Cys; replaces tyrosine 1981 with cysteine.
Molecular consequence: missense variant.
Genome position (GRCh38, 1-based): chr6:7,583,204, A>G. VCF-style: chr6-7583204-A-G. GRCh37 (hg19) VCF-style: chr6-7583437-A-G.
Other names: c.5942A>G (LRG_423t1); c.4145A>G, p.Tyr1382Cys (NM_001008844.3); c.4613A>G, p.Tyr1538Cys (NM_001319034.2); short protein forms Y1981C, Y1382C, Y1538C.
Identifiers: ClinVar variation 426436 (VCV000426436.11), dbSNP rs1085307622, ClinGen allele CA362689749.
Genomic context (GRCh38, chr6:7,583,204, plus strand): 5'-TTGACACCTCCAAGCTGGTGTTTGATGGGCTGAGGAAGAAGGTGACAGCAATGCAGCTCT[A>G]TGAGTGTCAGCTGATCGACAAAACAACCTTGGACAAACTATTGAAGGGGAAGAAGTCAGT-3'
Protein context (NP_004406.2, residues 1971-1991): LRKKVTAMQL[Tyr1981Cys]ECQLIDKTTL